The following is an entry in ClinVar:

ClinVar aggregate classification (germline): Pathogenic/Likely pathogenic. Review status: criteria provided, multiple submitters, no conflicts (2 of 4 stars). 3 submissions from 3 submitters: Pathogenic (2); Likely pathogenic (1). Last evaluated 2026-01-11.

Conditions:
Meckel syndrome, type 4 (MKS4). Also called: MECKEL-GRUBER SYNDROME, TYPE 4. Identifiers: Orphanet 564, MedGen C1970161, MONDO:0012626, OMIM 611134.
Bardet-Biedl syndrome 14 (BBS14). Identifiers: Orphanet 110, MedGen C2673874, MONDO:0014442, OMIM 615991.
Joubert syndrome 5 (JBTS5). Identifiers: Orphanet 2318, MedGen C1857780, MONDO:0012432, OMIM 610188.
Leber congenital amaurosis 10 (LCA10). Identifiers: Orphanet 65, MedGen C1857821, MONDO:0012723, OMIM 611755.
Senior-Loken syndrome 6 (SLSN6). Identifiers: Orphanet 3156, MedGen C1857779, MONDO:0012433, OMIM 610189.
Meckel-Gruber syndrome. Also called: Dysencephalia splachnocystica; DYSENCEPHALIA SPLANCHNOCYSTICA; GRUBER SYNDROME. Identifiers: Orphanet 564, MedGen C0265215, MONDO:0018921.
Nephronophthisis. Also called: Juvenile Nephronophthisis. Identifiers: Orphanet 655, MedGen C0687120, MONDO:0019005, HP:0000090.
Joubert syndrome. Also called: Familial aplasia of the vermis; JOUBERT-BOLTSHAUSER SYNDROME. Identifiers: Orphanet 475, MedGen C5979921, MONDO:0018772.
CEP290-related ciliopathy. Also called: CEP290 ciliopathy. Identifiers: MedGen CN305601, MONDO:0100451.

Allele frequency attached by ClinVar (database versions not stated): gnomAD exomes below 0.00001.

Submissions (3):

Myriad Genetics, Inc.
Classification: Pathogenic for CEP290-related ciliopathy. Last evaluated: 2026-01-11. Review status: criteria provided, single submitter. Criteria: Myriad Autosomal Dominant, Autosomal Recessive and X-Linked Classification Criteria (2023). Collection method: clinical testing. Allele origin: unknown.
Comment: NM_025114.3(CEP290):c.6084_6085delAC(K2028Nfs*15) is expected to be pathogenic in the context of CEP290-related disorders. This variant is predicted to lead to an abnormal or absent protein product due to the creation of a premature termination codon in CEP290, a gene where loss-of-function variants are known to be pathogenic. Please note: this variant was assessed in the context of healthy population screening.

Fulgent Genetics
Classification: Likely pathogenic for Joubert syndrome 5; Senior-Loken syndrome 6; Meckel syndrome, type 4; Leber congenital amaurosis 10; Bardet-Biedl syndrome 14. Last evaluated: 2024-02-22. Review status: criteria provided, single submitter. Criteria: ACMG Guidelines, 2015. Collection method: clinical testing. Allele origin: germline.

Labcorp Genetics (formerly Invitae), Labcorp
Classification: Pathogenic for Joubert syndrome; Meckel-Gruber syndrome; Nephronophthisis. Last evaluated: 2022-11-12. Review status: criteria provided, single submitter. Criteria: Invitae Variant Classification Sherloc (09022015). Collection method: clinical testing. Allele origin: germline.
Comment: This sequence change creates a premature translational stop signal (p.Lys2028Asnfs*15) in the CEP290 gene. It is expected to result in an absent or disrupted protein product. Loss-of-function variants in CEP290 are known to be pathogenic (PMID: 16909394, 17345604, 20690115). This variant is not present in population databases (gnomAD no frequency). This variant has not been reported in the literature in individuals affected with CEP290-related conditions. ClinVar contains an entry for this variant (Variation ID: 1452565). For these reasons, this variant has been classified as Pathogenic.

Literature cited by the submitters: PubMed 16909394 (cited by Labcorp Genetics (formerly Invitae), Labcorp); PubMed 17345604 (cited by Labcorp Genetics (formerly Invitae), Labcorp); PubMed 20690115 (cited by Labcorp Genetics (formerly Invitae), Labcorp).

NM_025114.4(CEP290):c.6084_6085del (p.Lys2028fs)

Gene: CEP290 (centrosomal protein 290; minus strand). Cytogenetic location: 12q21.32.
Variant type: Deletion.
Coding change: c.6084_6085del on transcript NM_025114.4 (MANE Select); coding-DNA positions 6084 to 6085, 2 bases deleted (AC; older notation c.6084_6085delAC).
Protein change: p.Lys2028fs; shifts the reading frame from lysine 2028.
Molecular consequence: frameshift variant.
Genome position (GRCh38, 1-based): chr12:88,068,572-88,068,573, GT deleted on the plus strand (AC on the coding strand, the reverse complement: CEP290 is on the minus strand). VCF-style (leftmost placement, unchanged base first): chr12-88068571-AGT-A. GRCh37 (hg19) VCF-style: chr12-88462348-AGT-A.
Other names: short protein forms K2028fs.
Identifiers: ClinVar variation 1452565 (VCV001452565.8), dbSNP rs2136911405, ClinGen allele CA2573149101.
Genomic context (GRCh38, chr12:88,068,571, plus strand): 5'-TATACACTTACTGAAGGCTTAGAATATGTATCCTTTGAAAACTGTTTTTCTAAAGCATGA[AGT>A]TTTTCTTGGAGGTATCTATTTTGTAAATGTAAATCTTCTACAACAGAATCTCGAGGAAGA-3'